The following is an entry in ClinVar:

NM_000138.5(FBN1):c.8551A>G (p.Lys2851Glu)

Gene: FBN1 (fibrillin 1; minus strand). Cytogenetic location: 15q21.1.
Variant type: single nucleotide variant.
Coding change: c.8551A>G on transcript NM_000138.5 (MANE Select); coding-DNA position 8551, A replaced by G.
Protein change: p.Lys2851Glu; replaces lysine 2851 with glutamic acid.
Molecular consequence: missense variant.
Genome position (GRCh38, 1-based): chr15:48,411,055, T>C on the plus strand (A>G on the coding strand, the complement: FBN1 is on the minus strand). VCF-style: chr15-48411055-T-C. GRCh37 (hg19) VCF-style: chr15-48703252-T-C.
Other names: p.K2851E:AAA>GAA; short protein forms K2851E.
Identifiers: ClinVar variation 200136 (VCV000200136.22), dbSNP rs371939796, ClinGen allele CA017816.
Genomic context (GRCh38, chr15:48,411,055, plus strand): 5'-GAAGCAAAACCTGGATTTTCATCTTCAGATTATCACCCAGTTCACCACTGAGGTAGTCTT[T>C]GTCATATTTGTCTTCTAGTTGGTTAAGTTCTTTCTTTTTATAAAGTGGAGTACTACTGAT-3'
Protein context (NP_000129.3, residues 2841-2861): ELNQLEDKYD[Lys2851Glu]DYLSGELGDN

ClinVar aggregate classification (germline): Conflicting classifications of pathogenicity. Review status: criteria provided, conflicting classifications (1 of 4 stars). 8 submissions from 8 submitters: Uncertain significance (6); Likely benign (2). Last evaluated 2026-08-01.

Conditions:
Marfan syndrome (MFS). Also called: MARFAN SYNDROME, TYPE I; FBN1-Related Marfan Syndrome; Marfan syndrome type 1; Marfan's syndrome; Marfan syndrome, classic. Identifiers: Orphanet 284963, Orphanet 558, MedGen C0024796, MONDO:0007947, OMIM 154700.
Ectopia lentis 1, isolated, autosomal dominant (ECTOL1). Identifiers: Orphanet 1885, MedGen C3541518, MONDO:0007514, OMIM 129600.
Geleophysic dysplasia 2 (GPHYSD2). Identifiers: Orphanet 2623, MedGen C3280054, MONDO:0013612, OMIM 614185.
Progeroid and marfanoid aspect-lipodystrophy syndrome. Also called: MARFANOID-PROGEROID SYNDROME; MARFAN-PROGEROID-LIPODYSTROPHY SYNDROME; Marfan lipodystrophy syndrome; MARFANOID-PROGEROID-LIPODYSTROPHY SYNDROME. Identifiers: Orphanet 300382, MedGen C4310796, MONDO:0014831, OMIM 616914.
Acromicric dysplasia (ACMICD). Also called: Acromicric skeletal dysplasia. Identifiers: Orphanet 969, MedGen C0265287, MONDO:0007055, OMIM 102370.
Stiff skin syndrome (SSKS). Identifiers: Orphanet 2833, MedGen C1861456, MONDO:0008492, OMIM 184900.
Weill-Marchesani syndrome 2, dominant. Also called: Weill-Marchesani Syndrome, Autosomal Dominant; FBN1-Related Weill-Marchesani Syndrome. Identifiers: Orphanet 2084, MedGen C1869115, MONDO:0012013, OMIM 608328.
MASS syndrome (OCTD). Also called: MASS PHENOTYPE; OVERLAP CONNECTIVE TISSUE DISEASE. Identifiers: MedGen C1858556, MONDO:0011431, OMIM 604308.
Familial thoracic aortic aneurysm and aortic dissection (TAAD). Also called: Thoracic aortic aneurysms and dissections. Identifiers: Orphanet 91387, MedGen C4707243, MONDO:0019625.

Allele frequency attached by ClinVar (database versions not stated): TOPMed below 0.00001; gnomAD 0.00001; gnomAD exomes 0.00001 and 0.00005; ExAC 0.00002; ESP Exome Variant Server 0.00008.
gnomAD v4.1: 73 of 1,613,810 alleles (0.0045%); highest among the groups gnomAD compares: Non-Finnish European, 0.006%; no homozygotes.

Submissions (8):

CeGaT Center for Human Genetics Tuebingen
Classification: Likely benign. Last evaluated: 2026-08-01. Review status: criteria provided, single submitter. Criteria: CeGaT Center For Human Genetics Tuebingen Variant Classification Criteria Version 2. Collection method: clinical testing. Allele origin: germline. Affected: yes. Observed: 1 variant allele.
Comment: FBN1: BP4

Women's Health and Genetics/Laboratory Corporation of America, LabCorp
Classification: Uncertain significance. Last evaluated: 2026-03-10. Review status: criteria provided, single submitter. Criteria: LabCorp Variant Classification Summary - May 2015. Collection method: clinical testing. Allele origin: germline.
Comment: Variant summary: FBN1 c.8551A>G (p.Lys2851Glu) results in a conservative amino acid change in the encoded protein sequence. Algorithms developed to predict the effect of missense changes on protein structure and function are either unavailable or do not agree on the potential impact of this missense change. The variant allele was found at a frequency of 8e-06 in 251108 control chromosomes. The available data on variant occurrences in the general population are insufficient to allow any conclusion about variant significance. To our knowledge, no occurrence of c.8551A>G in individuals affected with FBN1-related conditions and no experimental evidence demonstrating its impact on protein function have been reported. ClinVar contains an entry for this variant (Variation ID: 200136). Based on the evidence outlined above, the variant was classified as uncertain significance.

Ambry Genetics
Classification: Uncertain significance for Familial thoracic aortic aneurysm and aortic dissection. Last evaluated: 2026-01-17. Review status: criteria provided, single submitter. Criteria: Ambry Variant Classification Scheme 2023. Collection method: clinical testing. Allele origin: germline.
Comment: The p.K2851E variant (also known as c.8551A>G), located in coding exon 65 of the FBN1 gene, results from an A to G substitution at nucleotide position 8551. The lysine at codon 2851 is replaced by glutamic acid, an amino acid with similar properties. This amino acid position is conserved. In addition, the in silico prediction for this alteration is inconclusive. Based on the available evidence, the clinical significance of this variant remains unclear.

Labcorp Genetics (formerly Invitae), Labcorp
Classification: Likely benign for Marfan syndrome; Familial thoracic aortic aneurysm and aortic dissection. Last evaluated: 2025-12-28. Review status: criteria provided, single submitter. Criteria: Invitae Variant Classification Sherloc (09022015). Collection method: clinical testing. Allele origin: germline.

All of Us Research Program, National Institutes of Health
Classification: Uncertain significance for Marfan syndrome. Last evaluated: 2024-08-30. Review status: criteria provided, single submitter. Criteria: ACMG Guidelines, 2015. Collection method: clinical testing. Allele origin: germline. Inheritance: Autosomal dominant inheritance. Observed: 10 variant alleles, 10 heterozygotes.
Comment: This missense variant replaces lysine with glutamic acid at codon 2851 of the FBN1 protein. Computational prediction suggests that this variant may not impact protein structure and function (internally defined REVEL score threshold <= 0.5, PMID: 27666373). To our knowledge, functional studies have not been reported for this variant. This variant has not been reported in individuals affected with cardiovascular disorders in the literature. This variant has been identified in 2/251108 chromosomes in the general population by the Genome Aggregation Database (gnomAD). The available evidence is insufficient to determine the role of this variant in disease conclusively. Therefore, this variant is classified as a Variant of Uncertain Significance.

This study involves interpretation of variants in research participants for the purpose of population health screening. Participant phenotype was not available at the time of variant classification. Additional details can be found in publication PMID: 35346344, PMCID: PMC8962531

Color Diagnostics, LLC DBA Color Health
Classification: Uncertain significance for Familial thoracic aortic aneurysm and aortic dissection. Last evaluated: 2023-10-19. Review status: criteria provided, single submitter. Criteria: ACMG Guidelines, 2015. Collection method: clinical testing. Allele origin: germline.
Comment: This missense variant replaces lysine with glutamic acid at codon 2851 of the FBN1 protein. Computational prediction suggests that this variant may not impact protein structure and function (internally defined REVEL score threshold <= 0.5, PMID: 27666373). To our knowledge, functional studies have not been reported for this variant. This variant has not been reported in individuals affected with FBN1-related disorders in the literature. This variant has been identified in 2/251108 chromosomes in the general population by the Genome Aggregation Database (gnomAD). The available evidence is insufficient to determine the role of this variant in disease conclusively. Therefore, this variant is classified as a Variant of Uncertain Significance.

Fulgent Genetics
Classification: Uncertain significance for Acromicric dysplasia; Ectopia lentis 1, isolated, autosomal dominant; Marfan syndrome; Stiff skin syndrome; MASS syndrome; Weill-Marchesani syndrome 2, dominant; Geleophysic dysplasia 2; Progeroid and marfanoid aspect-lipodystrophy syndrome. Last evaluated: 2022-03-15. Review status: criteria provided, single submitter. Criteria: ACMG Guidelines, 2015. Collection method: clinical testing. Allele origin: unknown.

GeneDx
Classification: Uncertain significance. Last evaluated: 2014-07-01. Review status: criteria provided, single submitter. Criteria: GeneDx Variant Classification (06012015). Collection method: clinical testing. Allele origin: germline. Affected: yes.
Comment: p.Lys2851Glu (AAA>GAA): c.8551 A>G in exon 66 of the FBN1 gene (NM_000138.4)A variant of unknown significance has been identified in the FBN1 gene. The K2851E variant has not been published as a mutation, nor has it been reported as a benign polymorphism to our knowledge. The K2851E variant was not observed with any significant frequency in approximately 6,500 individuals of European and African American ancestry in the NHLBI Exome Sequencing Project, indicating it is not a common benign variant in these populations. The K2851E variant is a non-conservative amino acid substitution, which is likely to impact secondary protein structure as these residues differ in polarity, charge, size and/or other properties. This substitution occurs at a position that is not conserved across species. However, in silico analysis is inconsistent in its predictions as to whether or not the variant is damaging to the protein structure/function. Furthermore, no missense mutations in nearby residues have been reported in association with Marfan syndrome, indicating that this region of the protein may be tolerant of change. Therefore, based on the currently available information, it is unclear whether this variant is a pathogenic mutation or a rare benign variant. The variant is found in TAAD panel(s).